The following is an entry in ClinVar:

NM_001256071.3(RNF213):c.14683G>A (p.Val4895Ile)

Genes: RNF213 (ring finger protein 213; plus strand), RNF213-AS1 (RNF213 antisense RNA 1; minus strand), LOC126862664 (CDK7 strongly-dependent group 2 enhancer GRCh37_chr17:78359110-78360309; plus strand). Cytogenetic location: 17q25.3.
Variant type: single nucleotide variant.
Coding change: c.14683G>A on transcript NM_001256071.3 (MANE Select); coding-DNA position 14683, G replaced by A.
Protein change: p.Val4895Ile; replaces valine 4895 with isoleucine.
Molecular consequence: missense variant.
Genome position (GRCh38, 1-based): chr17:80,386,393, G>A. VCF-style: chr17-80386393-G-A. GRCh37 (hg19) VCF-style: chr17-78360193-G-A.
Other names: c.14830G>A, p.Val4944Ile (NM_001410195.1, NM_020914.5); short protein forms V4895I, V4944I.
Identifiers: ClinVar variation 4979635 (VCV004979635.1).

ClinVar aggregate classification (germline): Likely benign (1 of 4 stars; one submission).

Conditions:
RNF213-related disorder. Also called: RNF213-related condition.

gnomAD v4.1: 348 of 1,614,176 alleles (0.022%); highest among the groups gnomAD compares: South Asian, 0.35%; 2 homozygotes.

Submission:

PreventionGenetics, part of Exact Sciences
Classification: Likely benign for RNF213-related condition. Last evaluated: 2025-07-31. Review status: criteria provided, single submitter. Criteria: ACMG Guidelines, 2015. Collection method: clinical testing. Allele origin: germline.
Comment: This variant is classified as likely benign based on ACMG/AMP sequence variant interpretation guidelines (Richards et al. 2015 PMID: 25741868, with internal and published modifications).